The following is an entry in ClinVar:

ClinVar aggregate classification (germline): Pathogenic (1 of 4 stars; one submission).

Submission:

Labcorp Genetics (formerly Invitae), Labcorp
Classification: Pathogenic. Last evaluated: 2023-01-31. Review status: criteria provided, single submitter. Criteria: Invitae Variant Classification Sherloc (09022015). Collection method: clinical testing. Allele origin: germline.
Comment: This sequence change creates a premature translational stop signal (p.Ala1050Profs*23) in the LAMB3 gene. It is expected to result in an absent or disrupted protein product. Loss-of-function variants in LAMB3 are known to be pathogenic (PMID: 11023379, 16473856). This variant is not present in population databases (gnomAD no frequency). This variant has not been reported in the literature in individuals affected with LAMB3-related conditions. For these reasons, this variant has been classified as Pathogenic.

Literature cited by the submitters: PubMed 11023379; PubMed 16473856.

NM_000228.3(LAMB3):c.3148del (p.Ala1050fs)

Gene: LAMB3 (laminin subunit beta 3; minus strand). Cytogenetic location: 1q32.2.
Variant type: Deletion.
Coding change: c.3148del on transcript NM_000228.3 (MANE Select); coding-DNA position 3148, one base deleted (G; older notation c.3148delG).
Protein change: p.Ala1050fs; shifts the reading frame from alanine 1050.
Molecular consequence: frameshift variant.
Genome position (GRCh38, 1-based): chr1:209,617,490, C deleted on the plus strand (G on the coding strand, the reverse complement: LAMB3 is on the minus strand). VCF-style (leftmost placement, unchanged base first): chr1-209617489-GC-G. GRCh37 (hg19) VCF-style: chr1-209790834-GC-G.
Other names: c.3148del, p.Ala1050fs (NM_001017402.2, NM_001127641.1); short protein forms A1050fs.
Identifiers: ClinVar variation 2833153 (VCV002833153.3), dbSNP rs2464753233, ClinGen allele CA2739275576.